The following is an entry in ClinVar:

NM_013262.4(MYLIP):c.335C>T (p.Ser112Phe)

Gene: MYLIP (myosin regulatory light chain interacting protein; plus strand). Cytogenetic location: 6p22.3.
Variant type: single nucleotide variant.
Coding change: c.335C>T on transcript NM_013262.4 (MANE Select); coding-DNA position 335, C replaced by T.
Protein change: p.Ser112Phe; replaces serine 112 with phenylalanine.
Molecular consequence: missense variant.
Genome position (GRCh38, 1-based): chr6:16,141,681, C>T. VCF-style: chr6-16141681-C-T. GRCh37 (hg19) VCF-style: chr6-16141912-C-T.
Other names: short protein forms S112F.
Identifiers: ClinVar variation 3688915 (VCV003688915.2).
Genomic context (GRCh38, chr6:16,141,681, plus strand): 5'-GCAGGCATATCTTTTTCTTGCACATCAAGGAGGCCCTCTTGGCAGGCCACCTCTTGTGTT[C>T]CCCAGAGCAGGCAGTGGAACTCAGTGCCCTCCTGGCCCAGACCAAGTTTGGAGACTACAA-3'
Protein context (NP_037394.2, residues 102-122): EALLAGHLLC[Ser112Phe]PEQAVELSAL

ClinVar aggregate classification (germline): Uncertain significance (1 of 4 stars; one submission).

Submission:

Labcorp Genetics (formerly Invitae), Labcorp
Classification: Uncertain significance. Last evaluated: 2024-08-02. Review status: criteria provided, single submitter. Criteria: Invitae Variant Classification Sherloc (09022015). Collection method: clinical testing. Allele origin: germline.
Comment: This sequence change replaces serine, which is neutral and polar, with phenylalanine, which is neutral and non-polar, at codon 112 of the MYLIP protein (p.Ser112Phe). This variant is not present in population databases (gnomAD no frequency). This variant has not been reported in the literature in individuals affected with MYLIP-related conditions. An algorithm developed to predict the effect of missense changes on protein structure and function (PolyPhen-2) suggests that this variant is likely to be tolerated. In summary, the available evidence is currently insufficient to determine the role of this variant in disease. Therefore, it has been classified as a Variant of Uncertain Significance.